The following is an entry in ClinVar:

ClinVar aggregate classification (germline): Uncertain significance (1 of 4 stars; one submission).

Conditions:
Cardiovascular phenotype. Identifiers: MedGen CN230736.

Submission:

Ambry Genetics
Classification: Uncertain significance for Cardiovascular phenotype. Last evaluated: 2026-03-21. Review status: criteria provided, single submitter. Criteria: Ambry Variant Classification Scheme 2023. Collection method: clinical testing. Allele origin: germline.
Comment: The p.F252V variant (also known as c.754T>G), located in coding exon 8 of the ACTN2 gene, results from a T to G substitution at nucleotide position 754. The phenylalanine at codon 252 is replaced by valine, an amino acid with highly similar properties. This amino acid position is conserved. In addition, this alteration is predicted to be deleterious by in silico analysis. Based on the available evidence, the clinical significance of this variant remains unclear.

NM_001103.4(ACTN2):c.754T>G (p.Phe252Val)

Gene: ACTN2 (actinin alpha 2; plus strand). Cytogenetic location: 1q43.
Variant type: single nucleotide variant.
Coding change: c.754T>G on transcript NM_001103.4 (MANE Select); coding-DNA position 754, T replaced by G.
Protein change: p.Phe252Val; replaces phenylalanine 252 with valine.
Molecular consequence: missense variant. On other transcripts: non-coding transcript variant (1), intron variant (1).
Genome position (GRCh38, 1-based): chr1:236,735,691, T>G. VCF-style: chr1-236735691-T-G. GRCh37 (hg19) VCF-style: chr1-236898991-T-G.
Other names: c.783+1173T>G (NM_001278343.2); short protein forms F252V.
Identifiers: ClinVar variation 4867356 (VCV004867356.1).